The following is an entry in ClinVar:

ClinVar aggregate classification (germline): Uncertain significance. Review status: criteria provided, multiple submitters, no conflicts (2 of 4 stars). 2 submissions from 2 submitters: Uncertain significance (2). Last evaluated 2025-12-02.

Conditions:
Cardiovascular phenotype. Identifiers: MedGen CN230736.

gnomAD v4.1: 1 of 1,613,914 alleles (0.000062%); highest among the groups gnomAD compares: Non-Finnish European, 0.000085%; no homozygotes.

Submissions (2):

Ambry Genetics
Classification: Uncertain significance for Cardiovascular phenotype. Last evaluated: 2025-12-02. Review status: criteria provided, single submitter. Criteria: Ambry Variant Classification Scheme 2023. Collection method: clinical testing. Allele origin: germline.
Comment: The p.W6L variant (also known as c.17G>T), located in coding exon 2 of the PTPN11 gene, results from a G to T substitution at nucleotide position 17. The tryptophan at codon 6 is replaced by leucine, an amino acid with similar properties. This amino acid position is conserved. In addition, this alteration is predicted to be deleterious by in silico analysis. Based on the available evidence, the clinical significance of this variant remains unclear.

Blueprint Genetics
Classification: Uncertain significance. Last evaluated: 2022-07-28. Review status: criteria provided, single submitter. Criteria: ACMG Guidelines, 2015. Collection method: clinical testing. Allele origin: germline.

NM_002834.5(PTPN11):c.17G>T (p.Trp6Leu)

Gene: PTPN11 (protein tyrosine phosphatase non-receptor type 11; plus strand). Cytogenetic location: 12q24.13.
Variant type: single nucleotide variant.
Coding change: c.17G>T on transcript NM_002834.5 (MANE Select); coding-DNA position 17, G replaced by T.
Protein change: p.Trp6Leu; replaces tryptophan 6 with leucine.
Molecular consequence: missense variant.
Genome position (GRCh38, 1-based): chr12:112,446,278, G>T. VCF-style: chr12-112446278-G-T. GRCh37 (hg19) VCF-style: chr12-112884082-G-T.
Other names: c.17G>T, p.Trp6Leu (NM_001330437.2, NM_001374625.1, NM_080601.3); short protein forms W6L.
Identifiers: ClinVar variation 4614791 (VCV004614791.2).